The following is an entry in ClinVar:

ClinVar aggregate classification (germline): Uncertain significance (1 of 4 stars; one submission).

Conditions:
Inborn genetic diseases. Identifiers: MedGen C0950123, MeSH D030342.

Submission:

Ambry Genetics
Classification: Uncertain significance for Inborn genetic diseases. Last evaluated: 2025-07-05. Review status: criteria provided, single submitter. Criteria: Ambry Variant Classification Scheme 2023. Collection method: clinical testing. Allele origin: germline.
Comment: The p.T187I variant (also known as c.560C>T), located in coding exon 1 of the SAMD9L gene, results from a C to T substitution at nucleotide position 560. The threonine at codon 187 is replaced by isoleucine, an amino acid with similar properties. This amino acid position is conserved. In addition, the in silico prediction for this alteration is inconclusive. Based on the available evidence, the clinical significance of this variant remains unclear.

NM_152703.5(SAMD9L):c.560C>T (p.Thr187Ile)

Gene: SAMD9L (sterile alpha motif domain containing 9 like; minus strand). Cytogenetic location: 7q21.2.
Variant type: single nucleotide variant.
Coding change: c.560C>T on transcript NM_152703.5 (MANE Select); coding-DNA position 560, C replaced by T.
Protein change: p.Thr187Ile; replaces threonine 187 with isoleucine.
Molecular consequence: missense variant.
Genome position (GRCh38, 1-based): chr7:93,135,412, G>A on the plus strand (C>T on the coding strand, the complement: SAMD9L is on the minus strand). VCF-style: chr7-93135412-G-A. GRCh37 (hg19) VCF-style: chr7-92764725-G-A.
Other names: c.560C>T, p.Thr187Ile (NM_001303496.3, NM_001303497.3, NM_001303498.3 and 5 more transcripts); short protein forms T187I.
Identifiers: ClinVar variation 4159298 (VCV004159298.1).
Genomic context (GRCh38, chr7:93,135,412, plus strand): 5'-GTTTCTGTGTTTGTGAGAGCTTTGAACTCATGTATTGGATCAATGAGATTGAGTGCTCCT[G>A]TTTCAGGTTGTAGAGTATAATGTTCTATGTAGCGATGGCTGTCATGGAACTGATCAAAAG-3'
Protein context (NP_689916.2, residues 177-197): YIEHYTLQPE[Thr187Ile]GALNLIDPIH